The following is an entry in ClinVar:

NM_004186.5(SEMA3F):c.2144C>T (p.Pro715Leu)

Gene: SEMA3F (semaphorin 3F; plus strand). Cytogenetic location: 3p21.31.
Variant type: single nucleotide variant.
Coding change: c.2144C>T on transcript NM_004186.5 (MANE Select); coding-DNA position 2144, C replaced by T.
Protein change: p.Pro715Leu; replaces proline 715 with leucine.
Molecular consequence: missense variant.
Genome position (GRCh38, 1-based): chr3:50,187,901, C>T. VCF-style: chr3-50187901-C-T. GRCh37 (hg19) VCF-style: chr3-50225334-C-T.
Other names: c.2144C>T (NM_004186.4); c.1847C>T, p.Pro616Leu (NM_001318798.2); c.2051C>T, p.Pro684Leu (NM_001318800.2); short protein forms P715L, P616L, P684L.
Identifiers: ClinVar variation 2341437 (VCV002341437.6), dbSNP rs149408865, ClinGen allele CA2412352.
Genomic context (GRCh38, chr3:50,187,901, plus strand): 5'-ATGTACTGGGCCGGGACGCCGTCCATGCTGCCCTCTTCCCACCACTGTCCATGAGCGCCC[C>T]GCCACCCCCAGGCGCAGGCCCCCCAACGCCTCCTTACCAGGAGTTAGCCCAGCTGCTGGC-3'
Protein context (NP_004177.3, residues 705-725): ALFPPLSMSA[Pro715Leu]PPPGAGPPTP

ClinVar aggregate classification (germline): Uncertain significance. Review status: criteria provided, multiple submitters, no conflicts (2 of 4 stars). 2 submissions from 2 submitters: Uncertain significance (2). Last evaluated 2026-07-22.

Conditions:
SEMA3F-related disorder. Also called: SEMA3F-related condition.

Allele frequency attached by ClinVar (database versions not stated): ExAC 0.00008; gnomAD 0.00009; TOPMed 0.00011; ESP Exome Variant Server 0.00015; gnomAD exomes 0.00017.
gnomAD v4.1: 270 of 1,609,212 alleles (0.017%); highest among the groups gnomAD compares: Non-Finnish European, 0.021%; no homozygotes.

Submissions (2):

PreventionGenetics, part of Exact Sciences
Classification: Uncertain significance for SEMA3F-related condition. Last evaluated: 2026-07-22. Review status: criteria provided, single submitter. Criteria: ACMG Guidelines, 2015. Collection method: clinical testing. Allele origin: germline.
Comment: The SEMA3F c.2144C>T variant is predicted to result in the amino acid substitution p.Pro715Leu. To our knowledge, this variant has not been reported in the literature. This variant is reported in 0.017% of alleles in individuals of European (Non-Finnish) descent in gnomAD. At this time, the clinical significance of this variant is uncertain due to the absence of conclusive functional and genetic evidence.

Ambry Genetics
Classification: Uncertain significance. Last evaluated: 2024-07-30. Review status: criteria provided, single submitter. Criteria: Ambry Variant Classification Scheme 2023. Collection method: clinical testing. Allele origin: germline.